The following is an entry in ClinVar:

ClinVar aggregate classification (germline): Uncertain significance (1 of 4 stars; one submission).

Conditions:
Leukodystrophy, hypomyelinating, 7, with or without oligodontia and/or hypogonadotropic hypogonadism (HLD7). Also called: LEUKODYSTROPHY, HYPOMYELINATING, 7, WITH OLIGODONTIA; LEUKODYSTROPHY, HYPOMYELINATING, 7, WITH OLIGODONTIA AND HYPOGONADOTROPIC HYPOGONADISM; LEUKODYSTROPHY, HYPOMYELINATING, 7, WITHOUT OLIGODONTIA OR HYPOGONADOTROPIC HYPOGONADISM; Ataxia, Delayed Dentition and Hypomyelination (ADDH); LEUKOENCEPHALOPATHY, HYPOMYELINATING, WITH ATAXIA AND DELAYED DENTITION; ATAXIA, DELAYED DENTITION, AND HYPOMYELINATION. Identifiers: Orphanet 137639, Orphanet 447893, Orphanet 447896, Orphanet 77295, Orphanet 88637, MedGen CN034185, MONDO:0011897, OMIM 607694.

Submission:

3billion
Classification: Uncertain significance for Leukodystrophy, hypomyelinating, 7, with or without oligodontia and/or hypogonadotropic hypogonadism. Last evaluated: 2023-02-23. Review status: criteria provided, single submitter. Criteria: ACMG Guidelines, 2015. Collection method: clinical testing. Allele origin: unknown. Affected: yes.
Comment: The variant is observed at an extremely low frequency in the gnomAD v2.1.1 dataset (total allele frequency: <0.001%). Predicted Consequence/Location: Inframe insertion located in a nonrepeat region: predicted to change the length of the protein and disrupt normal protein function. However, the evidence of pathogenicity is insufficient at this time. Therefore, this variant is classified as VUS according to the recommendation of ACMG/AMP guideline.

NM_007055.4(POLR3A):c.2210AGC[4] (p.Gln739_Pro740insGln)

Gene: POLR3A (RNA polymerase III subunit A; minus strand). Cytogenetic location: 10q22.3.
Variant type: Microsatellite.
Coding change: c.2210AGC[4] on transcript NM_007055.4 (MANE Select); four copies in a row of the 3-base unit AGC starting at c.2210; the reference has three copies in a row; one copy, 3 bases duplicated; also written c.2216_2218dup.
Protein change: p.Gln739_Pro740insGln.
Molecular consequence: inframe insertion.
Genome position (GRCh38, 1-based): chr10:78,004,745-78,004,747, GCT duplicated on the plus strand (AGC on the coding strand, the reverse complement: POLR3A is on the minus strand); duplicating any 3 consecutive bases within chr10:78,004,745-78,004,755 gives the same sequence; the position shown is the placement nearest the transcript's 3' end. VCF-style (leftmost placement, unchanged base first): chr10-78004744-G-GGCT. GRCh37 (hg19) VCF-style: chr10-79764502-G-GGCT.
Other names: c.2216_2218dup (NM_007055.4).
Identifiers: ClinVar variation 2444334 (VCV002444334.1), dbSNP rs1564618782, ClinGen allele CA594710611.